The following is an entry in ClinVar:

ClinVar aggregate classification (germline): Uncertain significance (1 of 4 stars; one submission).

Allele frequency attached by ClinVar (database versions not stated): gnomAD 0.00001.
gnomAD v4.1: 1 of 1,613,112 alleles (0.000062%); highest among the groups gnomAD compares: Admixed American, 0.0017%; no homozygotes.

Submission:

Ambry Genetics
Classification: Uncertain significance. Last evaluated: 2021-10-08. Review status: criteria provided, single submitter. Criteria: Ambry Variant Classification Scheme 2023. Collection method: clinical testing. Allele origin: germline.
Comment: The p.A380G variant (also known as c.1139C>G), located in coding exon 3 of the TERF2IP gene, results from a C to G substitution at nucleotide position 1139. The alanine at codon 380 is replaced by glycine, an amino acid with similar properties. This amino acid position is conserved. In addition, this alteration is predicted to be tolerated by in silico analysis. Since supporting evidence is limited at this time, the clinical significance of this alteration remains unclear.

NM_018975.4(TERF2IP):c.1139C>G (p.Ala380Gly)

Gene: TERF2IP (TERF2 interacting protein; plus strand). Cytogenetic location: 16q23.1.
Variant type: single nucleotide variant.
Coding change: c.1139C>G on transcript NM_018975.4 (MANE Select); coding-DNA position 1139, C replaced by G.
Protein change: p.Ala380Gly; replaces alanine 380 with glycine.
Molecular consequence: missense variant. On other transcripts: non-coding transcript variant (1).
Genome position (GRCh38, 1-based): chr16:75,656,550, C>G. VCF-style: chr16-75656550-C-G. GRCh37 (hg19) VCF-style: chr16-75690448-C-G.
Other names: short protein forms A380G.
Identifiers: ClinVar variation 1730571 (VCV001730571.2), dbSNP rs774167864, ClinGen allele CA284340299.